The following is an entry in ClinVar:

ClinVar aggregate classification (germline): Uncertain significance (1 of 4 stars; one submission).

gnomAD v4.1: 2 of 1,549,854 alleles (0.00013%); highest among the groups gnomAD compares: African/African-American, 0.0028%; no homozygotes.

Submission:

Labcorp Genetics (formerly Invitae), Labcorp
Classification: Uncertain significance. Last evaluated: 2024-07-15. Review status: criteria provided, single submitter. Criteria: Invitae Variant Classification Sherloc (09022015). Collection method: clinical testing. Allele origin: germline.
Comment: This sequence change replaces histidine, which is basic and polar, with tyrosine, which is neutral and polar, at codon 9 of the DVL1 protein (p.His9Tyr). This variant is not present in population databases (gnomAD no frequency). This variant has not been reported in the literature in individuals affected with DVL1-related conditions. Advanced modeling of protein sequence and biophysical properties (such as structural, functional, and spatial information, amino acid conservation, physicochemical variation, residue mobility, and thermodynamic stability) performed at Invitae indicates that this missense variant is not expected to disrupt DVL1 protein function with a negative predictive value of 80%. In summary, the available evidence is currently insufficient to determine the role of this variant in disease. Therefore, it has been classified as a Variant of Uncertain Significance.

NM_001330311.2(DVL1):c.25C>T (p.His9Tyr)

Gene: DVL1 (dishevelled segment polarity protein 1; minus strand). Cytogenetic location: 1p36.33.
Variant type: single nucleotide variant.
Coding change: c.25C>T on transcript NM_001330311.2 (MANE Select); coding-DNA position 25, C replaced by T.
Protein change: p.His9Tyr; replaces histidine 9 with tyrosine.
Molecular consequence: missense variant.
Genome position (GRCh38, 1-based): chr1:1,349,041, G>A on the plus strand (C>T on the coding strand, the complement: DVL1 is on the minus strand). VCF-style: chr1-1349041-G-A. GRCh37 (hg19) VCF-style: chr1-1284421-G-A.
Other names: c.25C>T, p.His9Tyr (NM_004421.3); short protein forms H9Y.
Identifiers: ClinVar variation 3617368 (VCV003617368.2).